The following is an entry in ClinVar:

NM_000329.3(RPE65):c.310G>C (p.Gly104Arg)

Gene: RPE65 (retinoid isomerohydrolase RPE65; minus strand). Cytogenetic location: 1p31.3.
Variant type: single nucleotide variant.
Coding change: c.310G>C on transcript NM_000329.3 (MANE Select); coding-DNA position 310, G replaced by C.
Protein change: p.Gly104Arg; replaces glycine 104 with arginine.
Molecular consequence: missense variant.
Genome position (GRCh38, 1-based): chr1:68,444,819, C>G on the plus strand (G>C on the coding strand, the complement: RPE65 is on the minus strand). VCF-style: chr1-68444819-C-G. GRCh37 (hg19) VCF-style: chr1-68910502-C-G.
Other names: NM_000329.3(RPE65):c.310G>C; p.Gly104Arg; short protein forms G104R.
Identifiers: ClinVar variation 978980 (VCV000978980.2), dbSNP rs767478543, ClinGen allele CA340748268.
Genomic context (GRCh38, chr1:68,444,819, plus strand): 5'-AGTTTGGGTTCAGTAACCTGGAAAATATATTCTTGCAGGGATCTGGGAAAGCACAGGTGC[C>G]AAATTCTGTTATGACGATCCTTTTCTCAGTCATTGCCCGTACGTAAGCATCAGTGCGGAT-3'
Protein context (NP_000320.1, residues 94-114): TEKRIVITEF[Gly104Arg]TCAFPDPCKN

ClinVar aggregate classification (germline): Likely pathogenic. Review status: reviewed by expert panel (3 of 4 stars). 2 submissions from 2 submitters: Likely pathogenic (1). 1 of the submissions does not count toward it. Last evaluated 2025-06-11.

Conditions:
Autosomal recessive retinitis pigmentosa. Identifiers: MedGen C0339526.
RPE65-related recessive retinopathy. Also called: Recessive RPE65 retinopathy. Identifiers: MedGen CN305526, MONDO:0100368.

Submissions (2):

ClinGen Leber Congenital Amaurosis/early Onset Retinal Dystrophy Variant Curation Expert Panel, ClinGen
Classification: Likely pathogenic for RPE65-related recessive retinopathy. Last evaluated: 2025-06-11. Review status: reviewed by expert panel. Criteria: ClinGen LCAeoRD ACMG Specifications RPE65 V1.0.0. Collection method: curation. Allele origin: germline. Inheritance: Autosomal recessive inheritance.
Comment: NM_000329.3(RPE65):c.310G>C (p.Gly104Arg) is a missense variant that replaces glycine with arginine at amino acid 104. Another missense variant in the same codon, NM_000329.3(RPE65):c.311G>A (p.Gly104Asp), has been classified as likely pathogenic for RPE65-related recessive retinopathy by the ClinGen LCA/eoRD VCEP (PM5_Supporting). Splicing prediction using SpliceAI did not strongly predict an effect on splicing due to either of these variants. This variant is absent from gnomAD v4.1.0 (PM2_Supporting). This variant has been reported in at least 2 unrelated probands with early-onset severe retinal dystrophy who were homozygous for the variant (1 point, PMID: 26355662, PMID: 23105016). The variant has been reported to segregate with RP through the proband plus at least 3 similarly affected relatives, with the variant present in the homozygous state (potential PP1_Strong; PMID: 23105016). However, the details on the phenotype was not included and unable for VCEP to confirm if phenotypically in keeping with LCA / eoRP. The computational predictor REVEL gives a score of 0.97, which is above the ClinGen LCA / eoRD VCEP threshold of ≥0.773 and predicts a damaging effect on RPE65 function (PP3_Moderate). In summary, this variant meets the criteria to be classified as likely pathogenic for RPE65-related recessive retinopathy based on the ACMG/AMP criteria applied, as specified by the ClinGen LCA/eoRD VCEP: PM2_Supporting, PM3, PM5_Supporting, and PP3_Moderate. (VCEP specifications version 1.0.0; date of approval 09/21/2023).

Faculty of Health Sciences, Beirut Arab University
Classification: Pathogenic for Autosomal recessive Retinitis Pigmentosa. Last evaluated: 2012-10-26. Review status: no assertion criteria provided. Collection method: literature only. Allele origin: germline. Affected: yes. Observed: 4 variant alleles. Not counted in ClinVar's aggregate classification.

Literature cited by the submitters: PubMed 23105016 (cited by Faculty of Health Sciences, Beirut Arab University).